The following is an entry in ClinVar:

NM_012156.2(EPB41L1):c.2207T>C (p.Val736Ala)

Gene: EPB41L1 (erythrocyte membrane protein band 4.1 like 1; plus strand). Cytogenetic location: 20q11.23.
Variant type: single nucleotide variant.
Coding change: c.2207T>C on transcript NM_012156.2 (MANE Select); coding-DNA position 2207, T replaced by C.
Protein change: p.Val736Ala; replaces valine 736 with alanine.
Molecular consequence: missense variant. On other transcripts: intron variant (2).
Genome position (GRCh38, 1-based): chr20:36,214,379, T>C. VCF-style: chr20-36214379-T-C. GRCh37 (hg19) VCF-style: chr20-34802301-T-C.
Other names: c.2204T>C, p.Val735Ala (NM_001258329.1); c.1667T>C, p.Val556Ala (NM_001258330.1); c.1962+2003T>C (NM_001258331.2, NM_177996.2); short protein forms V736A, V735A, V556A.
Identifiers: ClinVar variation 931461 (VCV000931461.4), dbSNP rs766068292, ClinGen allele CA9840213.

ClinVar aggregate classification (germline): Uncertain significance. Review status: criteria provided, multiple submitters, no conflicts (2 of 4 stars). 2 submissions from 2 submitters: Uncertain significance (2). Last evaluated 2025-08-12.

Conditions:
Intellectual disability, autosomal dominant 11. Identifiers: MedGen C3280285, MONDO:0013658, OMIM 614257.

Allele frequency attached by ClinVar (database versions not stated): gnomAD exomes 0.00001 and 0.00002; TOPMed 0.00001; ExAC 0.00002.
gnomAD v4.1: 13 of 1,613,886 alleles (0.00081%); highest among the groups gnomAD compares: Non-Finnish European, 0.0011%; no homozygotes.

Submissions (2):

Ambry Genetics
Classification: Uncertain significance. Last evaluated: 2025-08-12. Review status: criteria provided, single submitter. Criteria: Ambry Variant Classification Scheme 2023. Collection method: clinical testing. Allele origin: germline.

Centre for Mendelian Genomics, University Medical Centre Ljubljana
Classification: Uncertain significance for Intellectual disability, autosomal dominant 11. Last evaluated: 2019-04-11. Review status: criteria provided, single submitter. Criteria: ACMG Guidelines, 2015. Collection method: clinical testing. Allele origin: unknown. Affected: yes.
Comment: This variant was classified as: Uncertain significance. The available evidence on this variant's pathogenicity is insufficient or conflicting. The following ACMG criteria were applied in classifying this variant: BP4.